The following is an entry in ClinVar:

ClinVar aggregate classification (germline): Pathogenic. Review status: reviewed by expert panel (3 of 4 stars). 7 submissions from 7 submitters: Pathogenic (1). 6 of the submissions do not count toward it. Last evaluated 2017-12-15.

Conditions:
Breast-ovarian cancer, familial, susceptibility to, 2 (BROVCA2). Also called: BRCA2 Hereditary Breast and Ovarian Cancer. Identifiers: Orphanet 145, MedGen C2675520, MONDO:0012933, OMIM 612555. Disease mechanism: loss of function.
Hereditary cancer-predisposing syndrome. Also called: Hereditary neoplastic syndrome; Tumor predisposition; Neoplastic Syndromes, Hereditary; Hereditary Cancer Syndrome. Identifiers: Orphanet 140162, MedGen C0027672, MeSH D009386, MONDO:0015356.
Hereditary breast ovarian cancer syndrome. Also called: BRCA1- and BRCA2-Associated Hereditary Breast and Ovarian Cancer; Hereditary breast and/or ovarian cancer syndrome; Hereditary breast and ovarian cancer; Hereditary breast and ovarian cancer syndrome; Hereditary breast and ovarian cancer syndrome (HBOC); Breast and ovarian cancer. Identifiers: Orphanet 145, MedGen C0677776, MeSH D061325, MONDO:0003582. Disease mechanism: loss of function.
Breast neoplasm. Also called: Breast Neoplasms; Neoplasm of the breast; Neoplasm of breast; Breast tumor. Identifiers: MedGen C1458155, MeSH D001943, MONDO:0021100, HP:0100013. Disease mechanism: gain of function.

Submissions (7):

Evidence-based Network for the Interpretation of Germline Mutant Alleles (ENIGMA)
Classification: Pathogenic for Breast-ovarian cancer, familial, susceptibility to, 2. Last evaluated: 2017-12-15. Review status: reviewed by expert panel. Criteria: ENIGMA BRCA1/2 Classification Criteria (2017-06-29). Collection method: curation. Allele origin: germline. Study: ENIGMA.
Comment: Variant allele predicted to encode a truncated non-functional protein.

Labcorp Genetics (formerly Invitae), Labcorp
Classification: Pathogenic for Hereditary breast ovarian cancer syndrome. Last evaluated: 2025-12-08. Review status: criteria provided, single submitter. Criteria: Invitae Variant Classification Sherloc (09022015). Collection method: clinical testing. Allele origin: germline. Not counted in ClinVar's aggregate classification.
Comment: This sequence change creates a premature translational stop signal (p.Phe2801Lysfs*11) in the BRCA2 gene. It is expected to result in an absent or disrupted protein product. Loss-of-function variants in BRCA2 are known to be pathogenic (PMID: 20104584). Information on the frequency of this variant in the gnomAD database is not available, as this variant may be reported differently in the database. This premature translational stop signal has been observed in individual(s) with breast and/or ovarian cancer (PMID: 27157322, 29435039, 29566657). For these reasons, this variant has been classified as Pathogenic.

Ambry Genetics
Classification: Pathogenic for Hereditary cancer-predisposing syndrome. Last evaluated: 2024-05-29. Review status: criteria provided, single submitter. Criteria: Ambry Variant Classification Scheme 2023. Collection method: clinical testing. Allele origin: germline. Not counted in ClinVar's aggregate classification.
Comment: The c.8400_8402delTTTinsAAAA pathogenic mutation, located in coding exon 18 of the BRCA2 gene, results from the deletion of 3 nucleotides and insertion of 4 nucleotides causing a translational frameshift with a predicted alternate stop codon (p.F2801Kfs*11). This mutation has been reported in multiple Chinese breast cancer patients (Zhang J et al. Breast Cancer Res Treat, 2016 08;158:455-62; Shi T et al. Int J Cancer, 2017 05;140:2051-2059; Fang M et al. Oncol Lett, 2018 Mar;15:3068-3074; Wang YA et al. BMC Cancer, 2018 03;18:315; Wei H et al. Oncol Lett, 2018 Jun;15:9420-9428; Meng H et al. Int J Cancer, 2020 06;146:3044-3052). This variant is considered to be rare based on population cohorts in the Genome Aggregation Database (gnomAD). In addition to the clinical data presented in the literature, this alteration is expected to result in loss of function by premature protein truncation or nonsense-mediated mRNA decay. As such, this alteration is interpreted as a disease-causing mutation.

All of Us Research Program, National Institutes of Health
Classification: Pathogenic for Breast-ovarian cancer, familial, susceptibility to, 2. Last evaluated: 2023-08-28. Review status: criteria provided, single submitter. Criteria: ACMG Guidelines, 2015. Collection method: clinical testing. Allele origin: germline. Inheritance: Autosomal dominant inheritance. Observed: 1 variant allele, 1 heterozygote. Not counted in ClinVar's aggregate classification.
Comment: This variant causes a three basepair deletion and a five basepair insertion in the BRCA2 gene. This variant is expected to create a premature translational stop signal in exon 19 and to result in an absent or non-functional protein product. Splice site prediction tools suggest that this variant may not impact RNA splicing. To our knowledge, functional studies have not been performed for this variant. This variant has been observed in at least 11 individuals affected with breast cancer (PMID: 31957001) and one individual affected with breast/ovarian cancer (PMID: 26187060). This variant has not been identified in the general population by the Genome Aggregation Database (gnomAD). Loss of BRCA2 function is a known mechanism of disease. Based on the available evidence, this variant is classified as Pathogenic.

This study involves interpretation of variants in research participants for the purpose of population health screening. Participant phenotype was not available at the time of variant classification. Additional details can be found in publication PMID: 35346344, PMCID: PMC8962531

Color Diagnostics, LLC DBA Color Health
Classification: Pathogenic for Hereditary cancer-predisposing syndrome. Last evaluated: 2023-06-22. Review status: criteria provided, single submitter. Criteria: ACMG Guidelines, 2015. Collection method: clinical testing. Allele origin: germline. Not counted in ClinVar's aggregate classification.
Comment: This variant deletes 3 nucleotides and inserts 4 nucleotides in exon 19 of the BRCA2 gene, creating a frameshift and premature translation stop signal. This variant is expected to result in an absent or non-functional protein product. This variant has been reported in more than 10 individuals affected with breast cancer (PMID: 26187060, 27157322, 27393621, 29435039, 29805665, 31957001) and in an individual affected with colorectal cancer (PMID: 34873480). This variant has not been identified in the general population by the Genome Aggregation Database (gnomAD). Loss of BRCA2 function is a known mechanism of disease. Based on the available evidence, this variant is classified as Pathogenic.

Quest Diagnostics Nichols Institute San Juan Capistrano
Classification: Pathogenic. Last evaluated: 2021-07-16. Review status: criteria provided, single submitter. Criteria: Quest Diagnostics criteria. Collection method: clinical testing. Allele origin: unknown. Not counted in ClinVar's aggregate classification.
Comment: This frameshift variant causes the premature termination of BRCA2 protein synthesis. In addition, it has been identified in affected individuals with breast cancer in the published literature (PMID: 31957001 (2020), 29805665 (2018), 29566657 (2018), 29435039 (2018), 27157322 (2016)). Based on the available information, this variant is classified as pathogenic.

Yang An-Suei Laboratory, Academia Sinica
Classification: Pathogenic for breast cancer. Review status: criteria provided, single submitter. Criteria: Submitter's publication. Collection method: clinical testing. Allele origin: germline. Affected: yes. Not counted in ClinVar's aggregate classification.

Literature cited by the submitters: PubMed 20104584 (cited by Labcorp Genetics (formerly Invitae), Labcorp); PubMed 27157322 (cited by 3 submitters); PubMed 29435039 (cited by 4 submitters); PubMed 29566657 (cited by 3 submitters); PubMed 27393621 (cited by Ambry Genetics and Color Diagnostics, LLC DBA Color Health); PubMed 28176296 (cited by Ambry Genetics); PubMed 29805665 (cited by 3 submitters); PubMed 31957001 (cited by 4 submitters); PubMed 26187060 (cited by All of Us Research Program, National Institutes of Health and Color Diagnostics, LLC DBA Color Health); PubMed 34873480 (cited by Color Diagnostics, LLC DBA Color Health).

NM_000059.4(BRCA2):c.8400_8402delinsAAAA (p.Phe2801fs)

Gene: BRCA2 (BRCA2 DNA repair associated; plus strand). Cytogenetic location: 13q13.1.
Variant type: Indel.
Coding change: c.8400_8402delinsAAAA on transcript NM_000059.4 (MANE Select); coding-DNA positions 8400 to 8402, TTT replaced by AAAA.
Protein change: p.Phe2801fs; shifts the reading frame from phenylalanine 2801.
Molecular consequence: frameshift variant.
Genome position (GRCh38, 1-based): chr13:32,370,470-32,370,472, TTT replaced by AAAA. VCF-style: chr13-32370470-TTT-AAAA. GRCh37 (hg19) VCF-style: chr13-32944607-TTT-AAAA.
Other names: c.8400_8402delTTTinsAAAA (NM_000059.3); short protein forms F2801fs.
Identifiers: ClinVar variation 430597 (VCV000430597.20), dbSNP rs483353077, ClinGen allele CA645509335.